The following is an entry in ClinVar:

NM_015204.3(THSD7A):c.4070A>G (p.Gln1357Arg)

Gene: THSD7A (thrombospondin type 1 domain containing 7A; minus strand). Cytogenetic location: 7p21.3.
Variant type: single nucleotide variant.
Coding change: c.4070A>G on transcript NM_015204.3 (MANE Select); coding-DNA position 4070, A replaced by G.
Protein change: p.Gln1357Arg; replaces glutamine 1357 with arginine.
Molecular consequence: missense variant.
Genome position (GRCh38, 1-based): chr7:11,406,467, T>C on the plus strand (A>G on the coding strand, the complement: THSD7A is on the minus strand). VCF-style: chr7-11406467-T-C. GRCh37 (hg19) VCF-style: chr7-11446094-T-C.
Other names: short protein forms Q1357R.
Identifiers: ClinVar variation 3348694 (VCV003348694.1).

ClinVar aggregate classification (germline): Uncertain significance (0 of 4 stars; one submission).

Conditions:
THSD7A-related disorder. Also called: THSD7A-related condition.

gnomAD v4.1: 1 of 1,606,974 alleles (0.000062%); no homozygotes.

Submission:

PreventionGenetics, part of Exact Sciences
Classification: Uncertain significance for THSD7A-related condition. Last evaluated: 2024-09-22. Review status: no assertion criteria provided. Collection method: clinical testing. Allele origin: germline.
Comment: The THSD7A c.4070A>G variant is predicted to result in the amino acid substitution p.Gln1357Arg. To our knowledge, this variant has not been reported in the literature or in a large population database, indicating this variant is rare. At this time, the clinical significance of this variant is uncertain due to the absence of conclusive functional and genetic evidence.